The following is an entry in ClinVar:

NM_138713.4(NFAT5):c.3629A>G (p.Gln1210Arg)

Gene: NFAT5 (nuclear factor of activated T cells 5; plus strand). Cytogenetic location: 16q22.1.
Variant type: single nucleotide variant.
Coding change: c.3629A>G on transcript NM_138713.4 (MANE Select); coding-DNA position 3629, A replaced by G.
Protein change: p.Gln1210Arg; replaces glutamine 1210 with arginine.
Molecular consequence: missense variant.
Genome position (GRCh38, 1-based): chr16:69,693,454, A>G. VCF-style: chr16-69693454-A-G. GRCh37 (hg19) VCF-style: chr16-69727357-A-G.
Other names: c.3626A>G, p.Gln1209Arg (NM_001113178.3); c.2954A>G, p.Gln985Arg (NM_001367709.1); c.3575A>G, p.Gln1192Arg (NM_006599.4); c.3347A>G, p.Gln1116Arg (NM_138714.4, NM_173214.3, NM_173215.3); short protein forms Q1116R, Q1209R, Q985R, Q1210R, Q1192R.
Identifiers: ClinVar variation 4754143 (VCV004754143.1).

ClinVar aggregate classification (germline): Uncertain significance (1 of 4 stars; one submission).

Conditions:
Immunodeficiency. Identifiers: MedGen C0021051, MONDO:0021094, HP:0002721.

gnomAD v4.1: 2 of 1,614,204 alleles (0.00012%); highest among the groups gnomAD compares: Non-Finnish European, 0.00017%; no homozygotes.

Submission:

Labcorp Genetics (formerly Invitae), Labcorp
Classification: Uncertain significance for Immunodeficiency. Last evaluated: 2025-08-12. Review status: criteria provided, single submitter. Criteria: Invitae Variant Classification Sherloc (09022015). Collection method: clinical testing. Allele origin: germline.
Comment: This sequence change replaces glutamine, which is neutral and polar, with arginine, which is basic and polar, at codon 1116 of the NFAT5 protein (p.Gln1116Arg). This variant is present in population databases (no rsID available, gnomAD 0.0009%). This variant has not been reported in the literature in individuals affected with NFAT5-related conditions. An algorithm developed to predict the effect of missense changes on protein structure and function (PolyPhen-2) suggests that this variant is likely to be tolerated. In summary, the available evidence is currently insufficient to determine the role of this variant in disease. Therefore, it has been classified as a Variant of Uncertain Significance.